The following is an entry in ClinVar:

NM_006440.5(TXNRD2):c.1378G>A (p.Val460Met)

Gene: TXNRD2 (thioredoxin reductase 2; minus strand). Cytogenetic location: 22q11.21.
Variant type: single nucleotide variant.
Coding change: c.1378G>A on transcript NM_006440.5 (MANE Select); coding-DNA position 1378, G replaced by A.
Protein change: p.Val460Met; replaces valine 460 with methionine.
Molecular consequence: missense variant. On other transcripts: non-coding transcript variant (1).
Genome position (GRCh38, 1-based): chr22:19,878,157, C>T on the plus strand (G>A on the coding strand, the complement: TXNRD2 is on the minus strand). VCF-style: chr22-19878157-C-T. GRCh37 (hg19) VCF-style: chr22-19865680-C-T.
Other names: c.1375G>A, p.Val459Met (NM_001352300.2); c.1288G>A, p.Val430Met (NM_001352301.2); c.1090G>A, p.Val364Met (NM_001352302.2); short protein forms V430M, V459M, V364M, V460M.
Identifiers: ClinVar variation 1046510 (VCV001046510.7), dbSNP rs770442788, ClinGen allele CA10103673.

ClinVar aggregate classification (germline): Uncertain significance (1 of 4 stars; one submission).

Conditions:
Primary dilated cardiomyopathy (DCM). Also called: Dilated Cardiomyopathy. Identifiers: Orphanet 217604, MedGen C0007193, MeSH D002311, MONDO:0005021, HP:0001644. Inheritance: Various modes of inheritance.

Allele frequency attached by ClinVar (database versions not stated): gnomAD below 0.00001 and 0.00001; ExAC 0.00001; TOPMed 0.00002.
gnomAD v4.1: 2 of 1,613,220 alleles (0.00012%); highest among the groups gnomAD compares: Admixed American, 0.0017%; no homozygotes.

Submission:

Labcorp Genetics (formerly Invitae), Labcorp
Classification: Uncertain significance for Primary dilated cardiomyopathy. Last evaluated: 2020-07-08. Review status: criteria provided, single submitter. Criteria: Invitae Variant Classification Sherloc (09022015). Collection method: clinical testing. Allele origin: germline.
Comment: In summary, the available evidence is currently insufficient to determine the role of this variant in disease. Therefore, it has been classified as a Variant of Uncertain Significance. Algorithms developed to predict the effect of missense changes on protein structure and function are either unavailable or do not agree on the potential impact of this missense change (SIFT: "Deleterious"; PolyPhen-2: "Probably Damaging"; Align-GVGD: "Class C0"). This variant has not been reported in the literature in individuals with TXNRD2-related conditions. This variant is present in population databases (rs770442788, ExAC 0.009%). This sequence change replaces valine with methionine at codon 460 of the TXNRD2 protein (p.Val460Met). The valine residue is moderately conserved and there is a small physicochemical difference between valine and methionine.